The following is an entry in ClinVar:

ClinVar aggregate classification (germline): Benign (1 of 4 stars; one submission).

Conditions:
Myoglobinuria, acute recurrent, autosomal recessive. Also called: MYOGLOBINURIA, FAMILIAL PAROXYSMAL PARALYTIC; RHABDOMYOLYSIS, ACUTE RECURRENT; Myoglobinuria, recurrent, autosomal recessive. Identifiers: Orphanet 99845, MedGen C1849386, MONDO:0009992, OMIM 268200.

Allele frequency attached by ClinVar (database versions not stated): gnomAD 0.01274 and 0.01368; TOPMed 0.01439; 1000 Genomes Project 0.01498; 1000 Genomes Project 30x 0.01655.

Submission:

Illumina Laboratory Services, Illumina
Classification: Benign for Myoglobinuria, acute recurrent, autosomal recessive. Last evaluated: 2018-01-13. Review status: criteria provided, single submitter. Criteria: ICSL Variant Classification Criteria 13 December 2019. Collection method: clinical testing. Allele origin: germline.
Comment: This variant was observed in the ICSL laboratory as part of a predisposition screen in an ostensibly healthy population. It had not been previously curated by ICSL or reported in the Human Gene Mutation Database (HGMD: prior to June 1st, 2018), and was therefore a candidate for classification through an automated scoring system. Utilizing variant allele frequency, disease prevalence and penetrance estimates, and inheritance mode, an automated score was calculated to assess if this variant is too frequent to cause the disease. Based on the score and internal cut-off values, a variant classified as benign is not then subjected to further curation. The score for this variant resulted in a classification of benign for this disease.

NM_001349206.2(LPIN1):c.*2491G>A

Gene: LPIN1 (lipin 1; plus strand). Cytogenetic location: 2p25.1.
Variant type: single nucleotide variant.
Coding change: c.*2491G>A on transcript NM_001349206.2 (MANE Select); 2491 bases downstream of the stop codon, G replaced by A.
Molecular consequence: 3 prime UTR variant. On other transcripts: non-coding transcript variant (1).
Genome position (GRCh38, 1-based): chr2:11,827,282, G>A. VCF-style: chr2-11827282-G-A. GRCh37 (hg19) VCF-style: chr2-11967408-G-A.
Other names: c.*2491G>A (NM_001261427.3, NM_001261428.3, NM_001349199.2 and 9 more transcripts).
Identifiers: ClinVar variation 330958 (VCV000330958.5), dbSNP rs139423804, ClinGen allele CA10610689.